The following is an entry in ClinVar:

ClinVar aggregate classification (germline): Uncertain significance. Review status: criteria provided, multiple submitters, no conflicts (2 of 4 stars). 2 submissions from 2 submitters: Uncertain significance (2). Last evaluated 2026-01-18.

Allele frequency attached by ClinVar (database versions not stated): gnomAD exomes 0.00002 and 0.00003; TOPMed 0.00002; gnomAD 0.00003 and 0.00004; ExAC 0.00004; ESP Exome Variant Server 0.00008.
gnomAD v4.1: 33 of 1,611,140 alleles (0.002%); highest among the groups gnomAD compares: South Asian, 0.0044%; no homozygotes.

Submissions (2):

Labcorp Genetics (formerly Invitae), Labcorp
Classification: Uncertain significance. Last evaluated: 2026-01-18. Review status: criteria provided, single submitter. Criteria: Invitae Variant Classification Sherloc (09022015). Collection method: clinical testing. Allele origin: germline.
Comment: This sequence change replaces arginine, which is basic and polar, with cysteine, which is neutral and slightly polar, at codon 1146 of the LRP5 protein (p.Arg1146Cys). This variant is present in population databases (rs367862196, gnomAD 0.01%). This variant has not been reported in the literature in individuals affected with LRP5-related conditions. ClinVar contains an entry for this variant (Variation ID: 932530). Invitae Evidence Modeling of protein sequence and biophysical properties (such as structural, functional, and spatial information, amino acid conservation, physicochemical variation, residue mobility, and thermodynamic stability) has been performed for this missense variant. However, the output from this modeling did not meet the statistical confidence thresholds required to predict the impact of this variant on LRP5 protein function. In summary, the available evidence is currently insufficient to determine the role of this variant in disease. Therefore, it has been classified as a Variant of Uncertain Significance.

CeGaT Center for Human Genetics Tuebingen
Classification: Uncertain significance. Last evaluated: 2020-04-01. Review status: criteria provided, single submitter. Criteria: CeGaT Center For Human Genetics Tuebingen Variant Classification Criteria Version 2. Collection method: clinical testing. Allele origin: germline. Affected: yes. Observed: 1 variant allele.

NM_002335.4(LRP5):c.3436C>T (p.Arg1146Cys)

Gene: LRP5 (LDL receptor related protein 5; plus strand). Cytogenetic location: 11q13.2.
Variant type: single nucleotide variant.
Coding change: c.3436C>T on transcript NM_002335.4 (MANE Select); coding-DNA position 3436, C replaced by T.
Protein change: p.Arg1146Cys; replaces arginine 1146 with cysteine.
Molecular consequence: missense variant.
Genome position (GRCh38, 1-based): chr11:68,425,986, C>T. VCF-style: chr11-68425986-C-T. GRCh37 (hg19) VCF-style: chr11-68193454-C-T.
Other names: c.1693C>T, p.Arg565Cys (NM_001291902.2); short protein forms R565C, R1146C.
Identifiers: ClinVar variation 932530 (VCV000932530.43), dbSNP rs367862196, ClinGen allele CA6149998.